The following is an entry in ClinVar:

NM_000124.4(ERCC6):c.2029C>T (p.Pro677Ser)

Gene: ERCC6 (ERCC excision repair 6, chromatin remodeling factor; minus strand). Cytogenetic location: 10q11.23.
Variant type: single nucleotide variant.
Coding change: c.2029C>T on transcript NM_000124.4 (MANE Select); coding-DNA position 2029, C replaced by T.
Protein change: p.Pro677Ser; replaces proline 677 with serine.
Molecular consequence: missense variant.
Genome position (GRCh38, 1-based): chr10:49,482,827, G>A on the plus strand (C>T on the coding strand, the complement: ERCC6 is on the minus strand). VCF-style: chr10-49482827-G-A. GRCh37 (hg19) VCF-style: chr10-50690873-G-A.
Other names: c.2029C>T, p.Pro677Ser (NM_001346440.2); short protein forms P677S.
Identifiers: ClinVar variation 1998002 (VCV001998002.4), dbSNP rs2496007430, ClinGen allele CA376724425.

ClinVar aggregate classification (germline): Uncertain significance (1 of 4 stars; one submission).

Submission:

Labcorp Genetics (formerly Invitae), Labcorp
Classification: Uncertain significance. Last evaluated: 2022-11-08. Review status: criteria provided, single submitter. Criteria: Invitae Variant Classification Sherloc (09022015). Collection method: clinical testing. Allele origin: germline.
Comment: This sequence change replaces proline, which is neutral and non-polar, with serine, which is neutral and polar, at codon 677 of the ERCC6 protein (p.Pro677Ser). This variant is not present in population databases (gnomAD no frequency). This variant has not been reported in the literature in individuals affected with ERCC6-related conditions. Advanced modeling of protein sequence and biophysical properties (such as structural, functional, and spatial information, amino acid conservation, physicochemical variation, residue mobility, and thermodynamic stability) performed at Invitae indicates that this missense variant is expected to disrupt ERCC6 protein function. In summary, the available evidence is currently insufficient to determine the role of this variant in disease. Therefore, it has been classified as a Variant of Uncertain Significance.